The following is an entry in ClinVar:

ClinVar aggregate classification (germline): Uncertain significance (1 of 4 stars; one submission).

Conditions:
Dyskeratosis congenita, autosomal dominant 2. Identifiers: MedGen C3151443, MONDO:0013521, OMIM 613989.
Idiopathic Pulmonary Fibrosis. Also called: Idiopathic fibrosing alveolitis, chronic form; idiopathic fibrosing alveolitis. Identifiers: Orphanet 2032, MedGen C1800706, MeSH D054990, MONDO:0800504.

Submission:

Labcorp Genetics (formerly Invitae), Labcorp
Classification: Uncertain significance for Dyskeratosis congenita, autosomal dominant 2; Idiopathic Pulmonary Fibrosis. Last evaluated: 2021-10-31. Review status: criteria provided, single submitter. Criteria: Invitae Variant Classification Sherloc (09022015). Collection method: clinical testing. Allele origin: germline.
Comment: In summary, the available evidence is currently insufficient to determine the role of this variant in disease. Therefore, it has been classified as a Variant of Uncertain Significance. Advanced modeling of protein sequence and biophysical properties (such as structural, functional, and spatial information, amino acid conservation, physicochemical variation, residue mobility, and thermodynamic stability) performed at Invitae indicates that this missense variant is expected to disrupt TERT protein function. This variant has not been reported in the literature in individuals affected with TERT-related conditions. This variant is not present in population databases (gnomAD no frequency). This sequence change replaces proline, which is neutral and non-polar, with serine, which is neutral and polar, at codon 1029 of the TERT protein (p.Pro1029Ser).

NM_198253.3(TERT):c.3085C>T (p.Pro1029Ser)

Gene: TERT (telomerase reverse transcriptase; minus strand). Cytogenetic location: 5p15.33.
Variant type: single nucleotide variant.
Coding change: c.3085C>T on transcript NM_198253.3 (MANE Select); coding-DNA position 3085, C replaced by T.
Protein change: p.Pro1029Ser; replaces proline 1029 with serine.
Molecular consequence: missense variant. On other transcripts: non-coding transcript variant (2).
Genome position (GRCh38, 1-based): chr5:1,255,359, G>A on the plus strand (C>T on the coding strand, the complement: TERT is on the minus strand). VCF-style: chr5-1255359-G-A. GRCh37 (hg19) VCF-style: chr5-1255474-G-A.
Other names: c.2896C>T, p.Pro966Ser (NM_001193376.3); short protein forms P1029S, P966S.
Identifiers: ClinVar variation 1518764 (VCV001518764.6), dbSNP rs2126562746, ClinGen allele CA359068227.